The following is an entry in ClinVar:

ClinVar aggregate classification (germline): Uncertain significance (1 of 4 stars; one submission).

Conditions:
Inborn genetic diseases. Identifiers: MedGen C0950123, MeSH D030342.

Submission:

Ambry Genetics
Classification: Uncertain significance for Inborn genetic diseases. Last evaluated: 2025-07-10. Review status: criteria provided, single submitter. Criteria: Ambry Variant Classification Scheme 2023. Collection method: clinical testing. Allele origin: germline.
Comment: The p.L1785S variant (also known as c.5354T>C), located in coding exon 21 of the FANCM gene, results from a T to C substitution at nucleotide position 5354. The leucine at codon 1785 is replaced by serine, an amino acid with dissimilar properties. This amino acid position is conserved. In addition, this alteration is predicted to be tolerated by in silico analysis. Based on the available evidence, the clinical significance of this variant remains unclear.

NM_020937.4(FANCM):c.5354T>C (p.Leu1785Ser)

Gene: FANCM (FA complementation group M; plus strand). Cytogenetic location: 14q21.2.
Variant type: single nucleotide variant.
Coding change: c.5354T>C on transcript NM_020937.4 (MANE Select); coding-DNA position 5354, T replaced by C.
Protein change: p.Leu1785Ser; replaces leucine 1785 with serine.
Molecular consequence: missense variant.
Genome position (GRCh38, 1-based): chr14:45,196,185, T>C. VCF-style: chr14-45196185-T-C. GRCh37 (hg19) VCF-style: chr14-45665388-T-C.
Other names: c.5276T>C, p.Leu1759Ser (NM_001308133.2); short protein forms L1759S, L1785S.
Identifiers: ClinVar variation 4254586 (VCV004254586.1).